The following is an entry in ClinVar:

ClinVar aggregate classification (germline): Benign/Likely benign. Review status: criteria provided, multiple submitters, no conflicts (2 of 4 stars). 5 submissions from 5 submitters: Benign (2); Likely benign (2). 1 of the submissions does not count toward it. Last evaluated 2026-05-01.

Conditions:
QRICH1-related disorder. Also called: QRICH1-related condition.

Allele frequency attached by ClinVar (database versions not stated): 1000 Genomes Project 30x 0.00109; gnomAD exomes 0.00118 and 0.00155; gnomAD 0.00121 and 0.00122; ESP Exome Variant Server 0.00123; 1000 Genomes Project 0.00140; ExAC 0.00153; TOPMed 0.00162.

Submissions (5):

CeGaT Center for Human Genetics Tuebingen
Classification: Likely benign. Last evaluated: 2026-05-01. Review status: criteria provided, single submitter. Criteria: CeGaT Center For Human Genetics Tuebingen Variant Classification Criteria Version 2. Collection method: clinical testing. Allele origin: germline. Affected: yes. Observed: 14 variant alleles.
Comment: QRICH1: BP4, BP7, BS1

Blueprint Genetics
Classification: Likely benign. Last evaluated: 2024-11-12. Review status: criteria provided, single submitter. Criteria: ACMG Guidelines, 2015. Collection method: clinical testing. Allele origin: germline.

Labcorp Genetics (formerly Invitae), Labcorp
Classification: Benign. Last evaluated: 2019-12-31. Review status: criteria provided, single submitter. Criteria: Invitae Variant Classification Sherloc (09022015). Collection method: clinical testing. Allele origin: germline.

Breakthrough Genomics
Classification: Benign. Review status: criteria provided, single submitter. Criteria: ACMG Guidelines, 2015. Collection method: not provided. Allele origin: germline. Inheritance: Autosomal dominant inheritance. Affected: yes.

PreventionGenetics, part of Exact Sciences
Classification: Likely benign for QRICH1-related condition. Last evaluated: 2019-02-28. Review status: no assertion criteria provided. Collection method: clinical testing. Allele origin: germline. Not counted in ClinVar's aggregate classification.
Comment: This variant is classified as likely benign based on ACMG/AMP sequence variant interpretation guidelines (Richards et al. 2015 PMID: 25741868, with internal and published modifications).

NM_198880.3(QRICH1):c.2166C>T (p.Asp722=)

Gene: QRICH1 (glutamine rich 1; minus strand). Cytogenetic location: 3p21.31.
Variant type: single nucleotide variant.
Coding change: c.2166C>T on transcript NM_198880.3 (MANE Select); coding-DNA position 2166, C replaced by T.
Protein change: p.Asp722=; no amino-acid change (aspartic acid 722 retained).
Molecular consequence: synonymous variant.
Genome position (GRCh38, 1-based): chr3:49,030,617, G>A on the plus strand (C>T on the coding strand, the complement: QRICH1 is on the minus strand). VCF-style: chr3-49030617-G-A. GRCh37 (hg19) VCF-style: chr3-49068050-G-A.
Other names: c.2166C>T (NM_017730.3); c.2166C>T, p.Asp722= (NM_001320580.2, NM_001320581.2, NM_001320582.2 and 4 more transcripts).
Identifiers: ClinVar variation 773573 (VCV000773573.30), dbSNP rs146971607, ClinGen allele CA2390961.